The following is an entry in ClinVar:

NM_139315.3(TAF6):c.1722C>T (p.Thr574=)

Genes: AP4M1 (adaptor related protein complex 4 subunit mu 1; plus strand), TAF6 (TATA-box binding protein associated factor 6; minus strand). Cytogenetic location: 7q22.1.
Variant type: single nucleotide variant.
Coding change: c.1722C>T on transcript NM_139315.3 (MANE Select); coding-DNA position 1722, C replaced by T.
Protein change: p.Thr574=; no amino-acid change (threonine 574 retained).
Molecular consequence: synonymous variant. On other transcripts: non-coding transcript variant (1), 3 prime UTR variant (2).
Genome position (GRCh38, 1-based): chr7:100,107,558, G>A on the plus strand (C>T on the coding strand, the complement: TAF6 is on the minus strand). VCF-style: chr7-100107558-G-A. GRCh37 (hg19) VCF-style: chr7-99705181-G-A.
Other names: c.1833C>T, p.Thr611= (NM_001190415.2); c.1722C>T, p.Thr574= (NM_001364998.1, NM_001364999.1, NM_005641.4); c.1692C>T, p.Thr564= (NM_001365000.1, NM_001365001.1, NM_001365002.1 and 1 more transcripts); c.1860C>T, p.Thr620= (NM_001365004.1); c.*676G>A (NM_001363671.2, NM_004722.4).
Identifiers: ClinVar variation 285346 (VCV000285346.38), dbSNP rs145939245, ClinGen allele CA4375176.

ClinVar aggregate classification (germline): Benign/Likely benign. Review status: criteria provided, multiple submitters, no conflicts (2 of 4 stars). 5 submissions from 5 submitters: Benign (3); Likely benign (2). Last evaluated 2026-06-01.

Allele frequency attached by ClinVar (database versions not stated): ExAC 0.00286; TOPMed 0.00506; ESP Exome Variant Server 0.00507; gnomAD 0.00509 and 0.00530; 1000 Genomes Project 0.00659; gnomAD exomes 0.00135 and 0.00229.
gnomAD v4.1: 2,760 of 1,613,974 alleles (0.17%); highest among the groups gnomAD compares: African/African-American, 1.3%; 6 homozygotes.

Submissions (5):

CeGaT Center for Human Genetics Tuebingen
Classification: Likely benign. Last evaluated: 2026-06-01. Review status: criteria provided, single submitter. Criteria: CeGaT Center For Human Genetics Tuebingen Variant Classification Criteria Version 2. Collection method: clinical testing. Allele origin: germline. Affected: yes. Observed: 11 variant alleles.
Comment: TAF6: BP4, BP7, BS1

Labcorp Genetics (formerly Invitae), Labcorp
Classification: Benign. Last evaluated: 2026-01-15. Review status: criteria provided, single submitter. Criteria: Invitae Variant Classification Sherloc (09022015). Collection method: clinical testing. Allele origin: germline.

Blueprint Genetics
Classification: Likely benign. Last evaluated: 2024-11-27. Review status: criteria provided, single submitter. Criteria: ACMG Guidelines, 2015. Collection method: clinical testing. Allele origin: germline.

Eurofins Ntd Llc (ga)
Classification: Benign. Last evaluated: 2015-12-11. Review status: criteria provided, single submitter. Criteria: EGL Classification Definitions 2015. Collection method: clinical testing. Allele origin: germline. Observed: 1 variant allele, 1 heterozygote.

Breakthrough Genomics
Classification: Benign. Review status: criteria provided, single submitter. Criteria: ACMG Guidelines, 2015. Collection method: not provided. Allele origin: germline. Inheritance: Autosomal recessive inheritance. Affected: yes.